The following is an entry in ClinVar:

ClinVar aggregate classification (germline): Uncertain significance (1 of 4 stars; one submission).

Conditions:
Multiple endocrine neoplasia type 2A. Also called: Multiple Endocrine Neoplasia Type 2A (MEN2A); MULTIPLE ENDOCRINE NEOPLASIA, TYPE IIA; PTC SYNDROME; SIPPLE SYNDROME; MEN 2A; MEN-2A syndrome. Identifiers: Orphanet 247698, Orphanet 653, MedGen C0025268, MeSH D018813, MONDO:0008234, OMIM 171400.

Submission:

Helix
Classification: Uncertain significance for Multiple endocrine neoplasia type 2A. Last evaluated: 2025-11-25. Review status: criteria provided, single submitter. Criteria: ACMG Guidelines, 2015. Collection method: clinical testing. Allele origin: germline. Inheritance: Autosomal dominant inheritance.
Comment: This variant (NM_020975.6:c.2910G>A p.Met970Ile) results in the substitution of methionine with isoleucine at codon 970 in the RET protein. It is a rare variant that is absent from the large gnomAD population database (v4.1). To our knowledge, this variant has not been reported in individuals with RET-related conditions in the published literature. In silico prediction from REVEL (PMID: 27666373) suggests that this variant may be deleterious. In conclusion, since the available evidence is limited, the clinical significance of this variant is unclear at this time. Therefore, it is classified as a Variant of Uncertain Significance.

NM_020975.6(RET):c.2910G>A (p.Met970Ile)

Gene: RET (ret proto-oncogene; plus strand). Cytogenetic location: 10q11.21.
Variant type: single nucleotide variant.
Coding change: c.2910G>A on transcript NM_020975.6 (MANE Select); coding-DNA position 2910, G replaced by A.
Protein change: p.Met970Ile; replaces methionine 970 with isoleucine.
Molecular consequence: missense variant.
Genome position (GRCh38, 1-based): chr10:43,123,779, G>A. VCF-style: chr10-43123779-G-A. GRCh37 (hg19) VCF-style: chr10-43619227-G-A.
Other names: c.2148G>A, p.Met716Ile (NM_001355216.2); c.2910G>A, p.Met970Ile (NM_001406743.1, NM_001406744.1, NM_001406759.1 and 2 more transcripts); c.2781G>A, p.Met927Ile (NM_001406761.1, NM_001406762.1, NM_001406764.1); c.2775G>A, p.Met925Ile (NM_001406763.1, NM_001406765.1); c.2622G>A, p.Met874Ile (NM_001406766.1, NM_001406767.1, NM_001406770.1); c.2646G>A, p.Met882Ile (NM_001406768.1); c.2514G>A, p.Met838Ile (NM_001406769.1, NM_001406772.1); c.2472G>A, p.Met824Ile (NM_001406771.1, NM_001406773.1); and 10 more; short protein forms M487I, M535I, M575I, M626I, M628I, M631I, M640I, M671I.
Identifiers: ClinVar variation 4890840 (VCV004890840.1).